The following is an entry in ClinVar:

NM_004793.4(LONP1):c.1060A>G (p.Asn354Asp)

Gene: LONP1 (lon peptidase 1, mitochondrial; minus strand). Cytogenetic location: 19p13.3.
Variant type: single nucleotide variant.
Coding change: c.1060A>G on transcript NM_004793.4 (MANE Select); coding-DNA position 1060, A replaced by G.
Protein change: p.Asn354Asp; replaces asparagine 354 with aspartic acid.
Molecular consequence: missense variant. On other transcripts: non-coding transcript variant (1).
Genome position (GRCh38, 1-based): chr19:5,707,699, T>C on the plus strand (A>G on the coding strand, the complement: LONP1 is on the minus strand). VCF-style: chr19-5707699-T-C. GRCh37 (hg19) VCF-style: chr19-5707710-T-C.
Other names: c.868A>G, p.Asn290Asp (NM_001276479.2); c.472A>G, p.Asn158Asp (NM_001276480.1); short protein forms N158D, N290D, N354D.
Identifiers: ClinVar variation 3016963 (VCV003016963.3), dbSNP rs373893348, ClinGen allele CA9114866.

ClinVar aggregate classification (germline): Uncertain significance (1 of 4 stars; one submission).

Allele frequency attached by ClinVar (database versions not stated): gnomAD exomes 0.00002; ExAC 0.00003; TOPMed 0.00004; gnomAD 0.00005; ESP Exome Variant Server 0.00008.

Submission:

Labcorp Genetics (formerly Invitae), Labcorp
Classification: Uncertain significance. Last evaluated: 2024-10-24. Review status: criteria provided, single submitter. Criteria: Invitae Variant Classification Sherloc (09022015). Collection method: clinical testing. Allele origin: germline.
Comment: This sequence change replaces asparagine, which is neutral and polar, with aspartic acid, which is acidic and polar, at codon 354 of the LONP1 protein (p.Asn354Asp). This variant is present in population databases (rs373893348, gnomAD 0.006%). This variant has not been reported in the literature in individuals affected with LONP1-related conditions. Invitae Evidence Modeling of protein sequence and biophysical properties (such as structural, functional, and spatial information, amino acid conservation, physicochemical variation, residue mobility, and thermodynamic stability) indicates that this missense variant is not expected to disrupt LONP1 protein function with a negative predictive value of 95%. In summary, the available evidence is currently insufficient to determine the role of this variant in disease. Therefore, it has been classified as a Variant of Uncertain Significance.